The following is an entry in ClinVar:

ClinVar aggregate classification (germline): Likely pathogenic (1 of 4 stars; one submission).

Conditions:
Glycogen storage disease type III (GSD3). Also called: FORBES DISEASE; Cori disease. Identifiers: Orphanet 366, MedGen C0017922, MONDO:0009291, OMIM 232400.

gnomAD v4.1: 1 of 1,614,008 alleles (0.000062%); highest among the groups gnomAD compares: South Asian, 0.0011%; no homozygotes.

Submission:

Foundation for Research in Genetics and Endocrinology, FRIGE's Institute of Human Genetics
Classification: Likely pathogenic for Glycogen storage disease type III. Last evaluated: 2025-04-09. Review status: criteria provided, single submitter. Criteria: ACMG Guidelines, 2015. Collection method: clinical testing. Allele origin: germline. Inheritance: Autosomal recessive inheritance. Affected: yes. Observed: 1 homozygote.
Comment: A homozygous splice site variant c.2157+1G>A in intron 16 of the AGL gene detected. It has MAF of 0.0001% in the gnomAD database and is absent from the ExAC database. In silico predictions for this variant are damaging by SpliceAI and Mutation Taster. In summary, the variant meets our criteria to be classified as likely pathogenic.

NM_000642.3(AGL):c.2157+1G>A

Gene: AGL (amylo-alpha-1,6-glucosidase and 4-alpha-glucanotransferase; plus strand). Cytogenetic location: 1p21.2.
Variant type: single nucleotide variant.
Coding change: c.2157+1G>A on transcript NM_000642.3 (MANE Select); the canonical splice donor site of the intron after coding-DNA position 2157, G replaced by A.
Molecular consequence: splice donor variant.
Genome position (GRCh38, 1-based): chr1:99,881,448, G>A. VCF-style: chr1-99881448-G-A. GRCh37 (hg19) VCF-style: chr1-100347004-G-A.
Other names: c.2109+1G>A (NM_000646.3); c.2157+1G>A (NM_001425326.1, NM_001425325.1, NM_000028.3 and 2 more transcripts); c.1956+1G>A (NM_001425327.1); c.1953+1G>A (NM_001425328.1, NM_001425329.1); c.1779+1G>A (NM_001425332.1).
Identifiers: ClinVar variation 3901853 (VCV003901853.1).